The following is an entry in ClinVar:

ClinVar aggregate classification (germline): Uncertain significance (1 of 4 stars; one submission).

Conditions:
Hereditary cancer-predisposing syndrome. Also called: Neoplastic Syndromes, Hereditary; Tumor predisposition; Hereditary Cancer Syndrome; Hereditary neoplastic syndrome. Identifiers: Orphanet 140162, MedGen C0027672, MeSH D009386, MONDO:0015356.

Submission:

Ambry Genetics
Classification: Uncertain significance for Hereditary cancer-predisposing syndrome. Last evaluated: 2025-07-28. Review status: criteria provided, single submitter. Criteria: Ambry Variant Classification Scheme 2023. Collection method: clinical testing. Allele origin: germline.
Comment: The p.L1513P variant (also known as c.4538T>C), located in coding exon 31 of the SMARCA4 gene, results from a T to C substitution at nucleotide position 4538. The leucine at codon 1513 is replaced by proline, an amino acid with similar properties. This amino acid position is conserved. In addition, the in silico prediction for this alteration is inconclusive. Based on the available evidence, the clinical significance of this variant remains unclear.

NM_003072.5(SMARCA4):c.4442T>C (p.Leu1481Pro)

Gene: SMARCA4 (SWI/SNF related BAF chromatin remodeling complex subunit ATPase 4; plus strand). Cytogenetic location: 19p13.2.
Variant type: single nucleotide variant.
Coding change: c.4442T>C on transcript NM_003072.5 (MANE Select); coding-DNA position 4442, T replaced by C.
Protein change: p.Leu1481Pro; replaces leucine 1481 with proline.
Molecular consequence: missense variant. On other transcripts: non-coding transcript variant (1).
Genome position (GRCh38, 1-based): chr19:11,058,272, T>C. VCF-style: chr19-11058272-T-C. GRCh37 (hg19) VCF-style: chr19-11168948-T-C.
Other names: c.4538T>C, p.Leu1513Pro (NM_001128849.3, NM_001387283.1); c.4343T>C, p.Leu1448Pro (NM_001374457.1, NM_001128847.4); c.4439T>C, p.Leu1480Pro (NM_001411150.1); c.4442T>C, p.Leu1481Pro (NM_001128844.3); c.4352T>C, p.Leu1451Pro (NM_001128845.2); c.4349T>C, p.Leu1450Pro (NM_001128846.2); c.4340T>C, p.Leu1447Pro (NM_001128848.2); short protein forms L1448P, L1450P, L1480P, L1447P, L1513P, L1481P, L1451P.
Identifiers: ClinVar variation 4170162 (VCV004170162.1).
Genomic context (GRCh38, chr19:11,058,272, plus strand): 5'-GTGGGCGGACTCGGGGGTGATAGCCGCCGGTTCTGCCTTGCAGCAGCAGTGGACGTCAGC[T>C]CAGCGAGGTCTTCATCCAGCTGCCCTCGCGAAAGGAGCTGCCCGAGTACTACGAGCTCAT-3'
Protein context (NP_003063.2, residues 1471-1491): KYKDSSSGRQ[Leu1481Pro]SEVFIQLPSR